The following is an entry in ClinVar:

NM_001243279.3(ACSF3):c.251G>A (p.Arg84Lys)

Gene: ACSF3 (acyl-CoA synthetase family member 3; plus strand). Cytogenetic location: 16q24.3.
Variant type: single nucleotide variant.
Coding change: c.251G>A on transcript NM_001243279.3 (MANE Select); coding-DNA position 251, G replaced by A.
Protein change: p.Arg84Lys; replaces arginine 84 with lysine.
Molecular consequence: missense variant. On other transcripts: non-coding transcript variant (3), intron variant (1).
Genome position (GRCh38, 1-based): chr16:89,100,932, G>A. VCF-style: chr16-89100932-G-A. GRCh37 (hg19) VCF-style: chr16-89167340-G-A.
Other names: c.251G>A, p.Arg84Lys (NM_001127214.4, NM_174917.5); c.-129-1672G>A (NM_001284316.2); c.251G>A (NM_174917.3); short protein forms R84K.
Identifiers: ClinVar variation 970362 (VCV000970362.8), dbSNP rs373476048, ClinGen allele CA8237587.

ClinVar aggregate classification (germline): Uncertain significance. Review status: criteria provided, multiple submitters, no conflicts (2 of 4 stars). 3 submissions from 3 submitters: Uncertain significance (2). 1 of the submissions does not count toward it. Last evaluated 2021-08-27.

Conditions:
Inborn genetic diseases. Identifiers: MedGen C0950123, MeSH D030342.
Combined malonic and methylmalonic acidemia. Identifiers: Orphanet 289504, MedGen C3280314, MONDO:0013661, OMIM 614265.

Allele frequency attached by ClinVar (database versions not stated): gnomAD 0.00005 and below 0.00001; 1000 Genomes Project 30x 0.00016; ExAC 0.00002; gnomAD exomes 0.00002; 1000 Genomes Project 0.00020.
gnomAD v4.1: 39 of 1,613,880 alleles (0.0024%); highest among the groups gnomAD compares: South Asian, 0.027%; no homozygotes.

Submissions (3):

Labcorp Genetics (formerly Invitae), Labcorp
Classification: Uncertain significance for Combined malonic and methylmalonic acidemia. Last evaluated: 2021-08-27. Review status: criteria provided, single submitter. Criteria: Invitae Variant Classification Sherloc (09022015). Collection method: clinical testing. Allele origin: germline.
Comment: This sequence change replaces arginine with lysine at codon 84 of the ACSF3 protein (p.Arg84Lys). The arginine residue is weakly conserved and there is a small physicochemical difference between arginine and lysine. This variant is present in population databases (rs373476048, ExAC 0.01%). This variant has not been reported in the literature in individuals affected with ACSF3-related conditions. Algorithms developed to predict the effect of missense changes on protein structure and function output the following: SIFT: "Tolerated"; PolyPhen-2: "Benign"; Align-GVGD: "Class C0". The lysine amino acid residue is found in multiple mammalian species, which suggests that this missense change does not adversely affect protein function. In summary, the available evidence is currently insufficient to determine the role of this variant in disease. Therefore, it has been classified as a Variant of Uncertain Significance.

Ambry Genetics
Classification: Uncertain significance for Inborn genetic diseases. Last evaluated: 2021-07-20. Review status: criteria provided, single submitter. Criteria: Ambry Variant Classification Scheme 2023. Collection method: clinical testing. Allele origin: germline.

Natera, Inc.
Classification: Uncertain significance for Combined malonic and methylmalonic aciduria. Last evaluated: 2021-09-28. Review status: no assertion criteria provided. Collection method: clinical testing. Allele origin: germline. Not counted in ClinVar's aggregate classification.